The following is an entry in ClinVar:

NM_001370298.3(FGD4):c.1544-236T>G

Gene: FGD4 (FYVE, RhoGEF and PH domain containing 4; plus strand). Cytogenetic location: 12p11.21.
Variant type: single nucleotide variant.
Coding change: c.1544-236T>G on transcript NM_001370298.3 (MANE Select); 236 bases into the intron before coding-DNA position 1544, T replaced by G.
Molecular consequence: intron variant.
Genome position (GRCh38, 1-based): chr12:32,610,540, T>G. VCF-style: chr12-32610540-T-G. GRCh37 (hg19) VCF-style: chr12-32763474-T-G.
Other names: c.1544-236T>G (NM_001384126.1); c.1388-236T>G (NM_001304481.2); c.854-236T>G (NM_001330374.2, NM_001330373.2, NM_001384130.1); c.1133-236T>G (NM_139241.3, NM_001384127.1, NM_001385118.1 and 1 more transcripts); c.101-236T>G (NM_001304484.2); c.581-236T>G (NM_001370297.1); c.389-236T>G (NM_001304483.2).
Identifiers: ClinVar variation 680165 (VCV000680165.1), dbSNP rs1004968, ClinGen allele CA13585510.
Genomic context (GRCh38, chr12:32,610,540, plus strand): 5'-CTAAGGAAAAGCAGTGATGTTTCTATCTCTGCTTATTAATTTTGATGGTTCATTGGGGAT[T>G]AATTAAACCTGTGAGCCTAAATCATCATGTATGACTTTTTATAAGGAAATACGAAGTTTC-3'

ClinVar aggregate classification (germline): Benign (1 of 4 stars; one submission).

Allele frequency attached by ClinVar (database versions not stated): TOPMed 0.41122; 1000 Genomes Project 0.36242.
gnomAD v4.1: 60,830 of 152,068 alleles (40%); highest among the groups gnomAD compares: Middle Eastern, 57%; 12,495 homozygotes.

Submission:

GeneDx
Classification: Benign. Last evaluated: 2018-06-19. Review status: criteria provided, single submitter. Criteria: GeneDx Variant Classification (06012015). Collection method: clinical testing. Allele origin: germline. Affected: yes.
Comment: This variant is considered likely benign or benign based on one or more of the following criteria: it is a conservative change, it occurs at a poorly conserved position in the protein, it is predicted to be benign by multiple in silico algorithms, and/or has population frequency not consistent with disease.